The following is an entry in ClinVar:

NM_025179.4(PLXNA2):c.1132G>A (p.Glu378Lys)

Gene: PLXNA2 (plexin A2; minus strand). Cytogenetic location: 1q32.2.
Variant type: single nucleotide variant.
Coding change: c.1132G>A on transcript NM_025179.4 (MANE Select); coding-DNA position 1132, G replaced by A.
Protein change: p.Glu378Lys; replaces glutamic acid 378 with lysine.
Molecular consequence: missense variant.
Genome position (GRCh38, 1-based): chr1:208,216,791, C>T on the plus strand (G>A on the coding strand, the complement: PLXNA2 is on the minus strand). VCF-style: chr1-208216791-C-T. GRCh37 (hg19) VCF-style: chr1-208390136-C-T.
Other names: c.1132G>A (NM_025179.3); short protein forms E378K.
Identifiers: ClinVar variation 3710737 (VCV003710737.3).
Genomic context (GRCh38, chr1:208,216,791, plus strand): 5'-TTACCGCCTTGGTGCACTGGACGTCCTTCCCCAGCAGCCAGTTGAGCTCCAGGTTGCCCT[C>T]GCCCTGGTAGCAGGACTGCAGGCGCTCCTTGATCTGCAAGTTGATGGCCCGGATAGGGAA-3'
Protein context (NP_079455.3, residues 368-388): KERLQSCYQG[Glu378Lys]GNLELNWLLG

ClinVar aggregate classification (germline): Uncertain significance. Review status: criteria provided, multiple submitters, no conflicts (2 of 4 stars). 2 submissions from 2 submitters: Uncertain significance (2). Last evaluated 2025-11-18.

Conditions:
PLXNA2-related disorder. Also called: PLXNA2-related condition.

gnomAD v4.1: 29 of 1,613,976 alleles (0.0018%); highest among the groups gnomAD compares: African/African-American, 0.017%; no homozygotes.

Submissions (2):

PreventionGenetics, part of Exact Sciences
Classification: Uncertain significance for PLXNA2-related condition. Last evaluated: 2025-11-18. Review status: criteria provided, single submitter. Criteria: ACMG Guidelines, 2015. Collection method: clinical testing. Allele origin: germline.
Comment: The PLXNA2 c.1132G>A variant is predicted to result in the amino acid substitution p.Glu378Lys. To our knowledge, this variant has not been reported in the literature. This variant is reported in 0.055% of alleles in individuals of African descent in gnomAD. Although we suspect that this variant may be benign, at this time, the clinical significance of this variant is uncertain due to the absence of conclusive functional and genetic evidence.

Labcorp Genetics (formerly Invitae), Labcorp
Classification: Uncertain significance. Last evaluated: 2024-04-12. Review status: criteria provided, single submitter. Criteria: Invitae Variant Classification Sherloc (09022015). Collection method: clinical testing. Allele origin: germline.
Comment: This sequence change replaces glutamic acid, which is acidic and polar, with lysine, which is basic and polar, at codon 378 of the PLXNA2 protein (p.Glu378Lys). This variant is present in population databases (rs144926586, gnomAD 0.06%). This variant has not been reported in the literature in individuals affected with PLXNA2-related conditions. Advanced modeling of protein sequence and biophysical properties (such as structural, functional, and spatial information, amino acid conservation, physicochemical variation, residue mobility, and thermodynamic stability) performed at Invitae indicates that this missense variant is not expected to disrupt PLXNA2 protein function with a negative predictive value of 80%. In summary, the available evidence is currently insufficient to determine the role of this variant in disease. Therefore, it has been classified as a Variant of Uncertain Significance.